The following is an entry in ClinVar:

NM_015378.4(VPS13D):c.3392C>T (p.Pro1131Leu)

Gene: VPS13D (vacuolar protein sorting 13 homolog D; plus strand). Cytogenetic location: 1p36.22.
Variant type: single nucleotide variant.
Coding change: c.3392C>T on transcript NM_015378.4 (MANE Select); coding-DNA position 3392, C replaced by T.
Protein change: p.Pro1131Leu; replaces proline 1131 with leucine.
Molecular consequence: missense variant.
Genome position (GRCh38, 1-based): chr1:12,276,980, C>T. VCF-style: chr1-12276980-C-T. GRCh37 (hg19) VCF-style: chr1-12337037-C-T.
Other names: p.Pro1131Leu; c.3392C>T, p.Pro1131Leu (NM_018156.4); short protein forms P1131L.
Identifiers: ClinVar variation 2683696 (VCV002683696.1), dbSNP rs2524024462, ClinGen allele CA338474810.
Genomic context (GRCh38, chr1:12,276,980, plus strand): 5'-ATATTATCCTCAATCCAGAGACGATTGTGGAGCTAATTGGTTTTCTTCAAAAATCCTTTC[C>T]CAAGGAAAAAGATGATTTAAGTCCTCAACCTTTAATGACTGATTTTGAAAGAAGCTTCAG-3'
Protein context (NP_056193.2, residues 1121-1141): ELIGFLQKSF[Pro1131Leu]KEKDDLSPQP

ClinVar aggregate classification (germline): Uncertain significance (1 of 4 stars; one submission).

Allele frequency attached by ClinVar (database versions not stated): gnomAD exomes below 0.00001.
gnomAD v4.1: 1 of 1,614,002 alleles (0.000062%); highest among the groups gnomAD compares: Non-Finnish European, 0.000085%; no homozygotes.

Submission:

Mayo Clinic Laboratories, Mayo Clinic
Classification: Uncertain significance. Last evaluated: 2023-06-12. Review status: criteria provided, single submitter. Criteria: ACMG Guidelines, 2015. Collection method: clinical testing. Allele origin: germline. Observed: 1 variant allele.
Comment: PM2